The following is an entry in ClinVar:

NM_002016.2(FLG):c.2929C>T (p.Gln977Ter)

Genes: CCDST (cervical cancer associated DHX9 suppressive transcript; plus strand), FLG (filaggrin; minus strand). Cytogenetic location: 1q21.3.
Variant type: single nucleotide variant.
Coding change: c.2929C>T on transcript NM_002016.2 (MANE Select); coding-DNA position 2929, C replaced by T.
Protein change: p.Gln977Ter; replaces glutamine 977 with a stop codon.
Molecular consequence: nonsense.
Genome position (GRCh38, 1-based): chr1:152,311,957, G>A on the plus strand (C>T on the coding strand, the complement: FLG is on the minus strand). VCF-style: chr1-152311957-G-A. GRCh37 (hg19) VCF-style: chr1-152284433-G-A.
Other names: short protein forms Q977*.
Identifiers: ClinVar variation 265537 (VCV000265537.15), dbSNP rs144419479, ClinGen allele CA1106918.

ClinVar aggregate classification (germline): Pathogenic. Review status: criteria provided, multiple submitters, no conflicts (2 of 4 stars). 5 submissions from 5 submitters: Pathogenic (5). Last evaluated 2025-06-09.

Conditions:
FLG-related disorder. Also called: FLG-related condition; FLG-related disorders.
Ichthyosis vulgaris. Also called: Dominant ichthyosis vulgaris; ICHTHYOSIS SIMPLEX. Identifiers: MedGen C0079584, MONDO:0024304, OMIM 146700.

Allele frequency attached by ClinVar (database versions not stated): TOPMed 0.00014; ESP Exome Variant Server 0.00015.
gnomAD v4.1: 182 of 1,613,982 alleles (0.011%); highest among the groups gnomAD compares: Non-Finnish European, 0.015%; no homozygotes.

Submissions (5):

GeneDx
Classification: Pathogenic. Last evaluated: 2025-06-09. Review status: criteria provided, single submitter. Criteria: GeneDx Variant Classification Process June 2021. Collection method: clinical testing. Allele origin: germline. Affected: yes.
Comment: Identified in a cohort of individuals with atopic dermatitis in the published literature (PMID: 31365035); Nonsense variant predicted to result in protein truncation, as the last 3085 amino acids are lost, and other loss-of-function variants have been reported downstream in HGMD; This variant is associated with the following publications: (PMID: 31589614, 31365035, 16444271, 35874679)

Blueprint Genetics
Classification: Pathogenic for FLG-related disorders. Last evaluated: 2024-10-02. Review status: criteria provided, single submitter. Criteria: ACMG Guidelines, 2015. Collection method: clinical testing. Allele origin: germline. Affected: yes. Observed: 5 variant alleles.

Genome-Nilou Lab
Classification: Pathogenic for Ichthyosis vulgaris. Last evaluated: 2023-04-11. Review status: criteria provided, single submitter. Criteria: ACMG Guidelines, 2015. Collection method: clinical testing. Allele origin: germline. Affected: no.

Victorian Clinical Genetics Services, Murdoch Childrens Research Institute
Classification: Pathogenic for Ichthyosis vulgaris. Last evaluated: 2022-02-02. Review status: criteria provided, single submitter. Criteria: ACMG Guidelines, 2015. Collection method: clinical testing. Allele origin: germline. Inheritance: Autosomal dominant inheritance. Affected: yes.
Comment: Based on the classification scheme VCGS_Germline_v1.3.4, this variant is classified as Pathogenic. Following criteria are met: 0102 - Loss of function is a known mechanism of disease in this gene and is associated with ichthyosis vulgaris MIM#146700. (I) 0108 - This gene is associated with both recessive and dominant disease. Heterozygotes have been reported to have milder phenotype than homozygotes and compound heterozygotes (PMID: 17291859, 30681730). (I) 0112 - The condition associated with this gene has incomplete penetrance, especially so in heterozygotes (PMID: 17291859, 30681730) (I) 0204 - Variant is predicted to result in a truncated protein (premature termination codon is NOT located at least 54 nucleotides upstream of the final exon-exon junction) with at least 1/3 of the protein sequence affected. (SP) 0251 - This variant is heterozygous. (I) 0304 - Variant is present in gnomAD <0.01 (v2: 32 heterozygotes, 0 homozygotes). (SP) 0701 - Other downstream protein truncating variants comparable to the one identified in this case have very strong previous evidence for pathogenicity (DECIPHER). (SP) 0803 - This variant has limited previous evidence of pathogenicity in unrelated individuals. It has been reported in at least two individuals and classifised as pathogenic by diagnostic laboratories in ClinVar. (SP) 0905 - No published segregation evidence has been identified for this variant. (I) 1007 - No published functional evidence has been identified for this variant. (I) Legend: (SP) - Supporting pathogenic, (I) - Information, (SB) - Supporting benign

Institute of Human Genetics Munich, TUM University Hospital
Classification: Pathogenic for Ichthyosis vulgaris. Last evaluated: 2020-06-19. Review status: criteria provided, single submitter. Criteria: Classification criteria August 2017. Collection method: clinical testing. Allele origin: maternal. Inheritance: Autosomal dominant inheritance. Affected: yes. Observed: 1 heterozygote.

Literature cited by the submitters: PubMed 17291859 (cited by Victorian Clinical Genetics Services, Murdoch Childrens Research Institute); PubMed 30681730 (cited by Victorian Clinical Genetics Services, Murdoch Childrens Research Institute).